The following is an entry in ClinVar:

ClinVar aggregate classification (germline): Uncertain significance (1 of 4 stars; one submission).

Conditions:
Inborn genetic diseases. Identifiers: MedGen C0950123, MeSH D030342.

Submission:

Ambry Genetics
Classification: Uncertain significance for Inborn genetic diseases. Last evaluated: 2025-08-08. Review status: criteria provided, single submitter. Criteria: Ambry Variant Classification Scheme 2023. Collection method: clinical testing. Allele origin: germline.
Comment: The p.P201R variant (also known as c.602C>G), located in coding exon 4 of the MECOM gene, results from a C to G substitution at nucleotide position 602. The proline at codon 201 is replaced by arginine, an amino acid with dissimilar properties. This amino acid position is conserved. In addition, the in silico prediction for this alteration is inconclusive. Based on the available evidence, the clinical significance of this variant remains unclear.

NM_004991.4(MECOM):c.602C>G (p.Pro201Arg)

Gene: MECOM (MDS1 and EVI1 complex locus; minus strand). Cytogenetic location: 3q26.2.
Variant type: single nucleotide variant.
Coding change: c.602C>G on transcript NM_004991.4 (MANE Select); coding-DNA position 602, C replaced by G.
Protein change: p.Pro201Arg; replaces proline 201 with arginine.
Molecular consequence: missense variant.
Genome position (GRCh38, 1-based): chr3:169,131,440, G>C on the plus strand (C>G on the coding strand, the complement: MECOM is on the minus strand). VCF-style: chr3-169131440-G-C. GRCh37 (hg19) VCF-style: chr3-168849228-G-C.
Other names: c.38C>G, p.Pro13Arg (NM_005241.4, NM_001105078.4, NM_001163999.2 and 9 more transcripts); c.230C>G, p.Pro77Arg (NM_001105077.4); c.602C>G, p.Pro201Arg (NM_001366466.2, NM_001366473.2); short protein forms P77R, P13R, P201R.
Identifiers: ClinVar variation 4105839 (VCV004105839.1).